The following is an entry in ClinVar:

NM_001386298.1(CIC):c.4442G>A (p.Arg1481Gln)

Gene: CIC (capicua transcriptional repressor; plus strand). Cytogenetic location: 19q13.2.
Variant type: single nucleotide variant.
Coding change: c.4442G>A on transcript NM_001386298.1 (MANE Select); coding-DNA position 4442, G replaced by A.
Protein change: p.Arg1481Gln; replaces arginine 1481 with glutamine.
Molecular consequence: missense variant.
Genome position (GRCh38, 1-based): chr19:42,290,483, G>A. VCF-style: chr19-42290483-G-A. GRCh37 (hg19) VCF-style: chr19-42794635-G-A.
Other names: c.1715G>A, p.Arg572Gln (NM_015125.5, NM_001379484.1, NM_001379485.1); c.4442G>A, p.Arg1481Gln (NM_001304815.2, NM_001379480.1, NM_001379482.1); short protein forms R1481Q, R572Q.
Identifiers: ClinVar variation 4002948 (VCV004002948.3).
Genomic context (GRCh38, chr19:42,290,483, plus strand): 5'-TGGGCTCAGGAACCTTCAAGGCCCAGGAGTCTGGTCAGGGCAGCACAGCGGGCCCCCTAC[G>A]GCCCCCACCCCCTGGGGCTGGGGGTCCAGCGACACCTTCCAAGGCAACCCGGTTCCTCCC-3'
Protein context (NP_001373227.1, residues 1471-1491): SGQGSTAGPL[Arg1481Gln]PPPPGAGGPA

ClinVar aggregate classification (germline): Conflicting classifications of pathogenicity. Review status: criteria provided, conflicting classifications (1 of 4 stars). 3 submissions from 3 submitters: Uncertain significance (2); Likely benign (1). Last evaluated 2026-08-01.

Conditions:
Inborn genetic diseases. Identifiers: MedGen C0950123, MeSH D030342.

gnomAD v4.1: 21 of 1,613,616 alleles (0.0013%); highest among the groups gnomAD compares: East Asian, 0.0022%; no homozygotes.

Submissions (3):

CeGaT Center for Human Genetics Tuebingen
Classification: Likely benign. Last evaluated: 2026-08-01. Review status: criteria provided, single submitter. Criteria: CeGaT Center For Human Genetics Tuebingen Variant Classification Criteria Version 2. Collection method: clinical testing. Allele origin: germline. Affected: yes. Observed: 1 variant allele.
Comment: CIC: BP4

Women's Health and Genetics/Laboratory Corporation of America, LabCorp
Classification: Uncertain significance. Last evaluated: 2026-03-13. Review status: criteria provided, single submitter. Criteria: LabCorp Variant Classification Summary - May 2015. Collection method: clinical testing. Allele origin: germline.
Comment: Variant summary: CIC c.1715G>A (p.Arg572Gln) results in a conservative amino acid change in the encoded protein sequence. Algorithms developed to predict the effect of missense changes on protein structure and function all suggest that this variant is likely to be tolerated. The variant allele was found at a frequency of 4e-06 in 249822 control chromosomes. The available data on variant occurrences in the general population are insufficient to allow any conclusion about variant significance. To our knowledge, no occurrence of c.1715G>A in individuals affected with CIC-related conditions and no experimental evidence demonstrating its impact on protein function have been reported. ClinVar contains an entry for this variant (Variation ID: 4002948). Based on the evidence outlined above, the variant was classified as uncertain significance.

Ambry Genetics
Classification: Uncertain significance for Inborn genetic diseases. Last evaluated: 2025-03-18. Review status: criteria provided, single submitter. Criteria: Ambry Variant Classification Scheme 2023. Collection method: clinical testing. Allele origin: germline.